The following is an entry in ClinVar:

ClinVar aggregate classification (germline): Pathogenic (1 of 4 stars; one submission).

Conditions:
Melnick-Needles syndrome (MNS). Also called: MELNICK-NEEDLES OSTEODYSPLASTY; OSTEODYSPLASTY OF MELNICK AND NEEDLES; Melnick-Needles Syndrome (FLNA-MNS). Identifiers: Orphanet 2484, MedGen C0025237, MONDO:0010650, OMIM 309350.
Frontometaphyseal dysplasia (FMD1). Identifiers: Orphanet 1826, MedGen C0265293, MONDO:0015942.
Oto-palato-digital syndrome, type II (OPD2). Also called: FACIOPALATOOSSEOUS SYNDROME; OPD II SYNDROME; Otopalatodigital Syndrome Type 2 (FLNA-OPD2); Otopalatodigital Syndrome, Type II. Identifiers: Orphanet 669, Orphanet 90652, MedGen C1844696, MONDO:0010571, OMIM 304120.
Heterotopia, periventricular, X-linked dominant (PVNH1). Also called: PERIVENTRICULAR NODULAR HETEROTOPIA 1; X-linked periventricular heterotopia; PERIVENTRICULAR NODULAR HETEROTOPIA 4; HETEROTOPIA, PERIVENTRICULAR, 1. Identifiers: Orphanet 2149, Orphanet 82004, MedGen C1848213, MONDO:0010233, OMIM 300049.

Submission:

Labcorp Genetics (formerly Invitae), Labcorp
Classification: Pathogenic for Oto-palato-digital syndrome, type II; Heterotopia, periventricular, X-linked dominant; Frontometaphyseal dysplasia; Melnick-Needles syndrome. Last evaluated: 2022-10-18. Review status: criteria provided, single submitter. Criteria: Invitae Variant Classification Sherloc (09022015). Collection method: clinical testing. Allele origin: germline.
Comment: This variant disrupts a region of the FLNA protein in which other variant(s) (p.Leu140Phe) have been determined to be pathogenic (Invitae). This suggests that this is a clinically significant region of the protein, and that variants that disrupt it are likely to be disease-causing. This variant has not been reported in the literature in individuals affected with FLNA-related conditions. This variant is a gross deletion of the genomic region encompassing exon(s) 3-5 of the FLNA gene. This variant would be expected to be in-frame, preserving the integrity of the reading frame. For these reasons, this variant has been classified as Pathogenic.

NC_000023.10:g.(?_153595748)_(153596947_?)del

Gene: FLNA (filamin A; minus strand). Cytogenetic location: Xq28.
Variant type: Deletion.
Identifiers: ClinVar variation 2424172 (VCV002424172.4).